The following is an entry in ClinVar:

ClinVar aggregate classification (germline): Uncertain significance (1 of 4 stars; one submission).

gnomAD v4.1: 1 of 1,612,798 alleles (0.000062%); highest among the groups gnomAD compares: Non-Finnish European, 0.000085%; no homozygotes.

Submission:

GeneDx
Classification: Uncertain significance. Last evaluated: 2025-01-31. Review status: criteria provided, single submitter. Criteria: GeneDx Variant Classification Process June 2021. Collection method: clinical testing. Allele origin: germline. Affected: yes.
Comment: Not observed at significant frequency in large population cohorts (gnomAD); In silico analysis supports that this missense variant has a deleterious effect on protein structure/function; Has not been previously published as pathogenic or benign to our knowledge

NM_080680.3(COL11A2):c.3095C>G (p.Pro1032Arg)

Gene: COL11A2 (collagen type XI alpha 2 chain; minus strand). Cytogenetic location: 6p21.32.
Variant type: single nucleotide variant.
Coding change: c.3095C>G on transcript NM_080680.3 (MANE Select); coding-DNA position 3095, C replaced by G.
Protein change: p.Pro1032Arg; replaces proline 1032 with arginine.
Molecular consequence: missense variant.
Genome position (GRCh38, 1-based): chr6:33,171,768, G>C on the plus strand (C>G on the coding strand, the complement: COL11A2 is on the minus strand). VCF-style: chr6-33171768-G-C. GRCh37 (hg19) VCF-style: chr6-33139545-G-C.
Other names: c.2915C>G, p.Pro972Arg (NM_001424108.1); c.2249C>G, p.Pro750Arg (NM_001424109.1); c.2069C>G, p.Pro690Arg (NM_001424110.1, NM_001424111.1); c.1049C>G, p.Pro350Arg (NM_001424112.1); c.2774C>G, p.Pro925Arg (NM_080679.3); c.2837C>G, p.Pro946Arg (NM_080681.3); short protein forms P1032R, P350R, P690R, P750R, P925R, P946R, P972R.
Identifiers: ClinVar variation 4072787 (VCV004072787.1).